The following is an entry in ClinVar:

NM_004329.3(BMPR1A):c.1537A>G (p.Thr513Ala)

Gene: BMPR1A (bone morphogenetic protein receptor type 1A; plus strand). Cytogenetic location: 10q23.2.
Variant type: single nucleotide variant.
Coding change: c.1537A>G on transcript NM_004329.3 (MANE Select); coding-DNA position 1537, A replaced by G.
Protein change: p.Thr513Ala; replaces threonine 513 with alanine.
Molecular consequence: missense variant. On other transcripts: non-coding transcript variant (3).
Genome position (GRCh38, 1-based): chr10:86,923,657, A>G. VCF-style: chr10-86923657-A-G. GRCh37 (hg19) VCF-style: chr10-88683414-A-G.
Other names: c.1537A>G, p.Thr513Ala (NM_001406572.1, NM_001406573.1, NM_001406561.1 and 19 more transcripts); c.1612A>G, p.Thr538Ala (NM_001406559.1); c.1585A>G, p.Thr529Ala (NM_001406560.1); c.1531A>G, p.Thr511Ala (NM_001406583.1); c.1453A>G, p.Thr485Ala (NM_001406584.1, NM_001406585.1, NM_001406586.1 and 2 more transcripts); c.1195A>G, p.Thr399Ala (NM_001406589.1); short protein forms T513A, T538A, T485A, T511A, T399A, T529A.
Identifiers: ClinVar variation 3017861 (VCV003017861.4), dbSNP rs2539652162, ClinGen allele CA377463879.

ClinVar aggregate classification (germline): Uncertain significance. Review status: criteria provided, multiple submitters, no conflicts (2 of 4 stars). 2 submissions from 2 submitters: Uncertain significance (2). Last evaluated 2025-05-25.

Conditions:
Hereditary cancer-predisposing syndrome. Also called: Hereditary Cancer Syndrome; Tumor predisposition; Hereditary neoplastic syndrome; Neoplastic Syndromes, Hereditary. Identifiers: Orphanet 140162, MedGen C0027672, MeSH D009386, MONDO:0015356.
Juvenile polyposis syndrome (JPS). Identifiers: Orphanet 2929, MedGen C0345893, MONDO:0017380, OMIM 174900.

Submissions (2):

Color Diagnostics, LLC DBA Color Health
Classification: Uncertain significance for Hereditary cancer-predisposing syndrome. Last evaluated: 2025-05-25. Review status: criteria provided, single submitter. Criteria: ACMG Guidelines, 2015. Collection method: clinical testing. Allele origin: germline.
Comment: This missense variant replaces threonine with alanine at codon 513 of the BMPR1A protein. Computational prediction suggests that this variant may have deleterious impact on protein structure and function. To our knowledge, functional studies have not been reported for this variant. This variant has not been reported in individuals affected with BMPR1A-related disorders in the literature. This variant has not been identified in the general population by the Genome Aggregation Database (gnomAD). The available evidence is insufficient to determine the role of this variant in disease conclusively. Therefore, this variant is classified as a Variant of Uncertain Significance.

Labcorp Genetics (formerly Invitae), Labcorp
Classification: Uncertain significance for Juvenile polyposis syndrome. Last evaluated: 2023-02-23. Review status: criteria provided, single submitter. Criteria: Invitae Variant Classification Sherloc (09022015). Collection method: clinical testing. Allele origin: germline.
Comment: This variant has not been reported in the literature in individuals affected with BMPR1A-related conditions. Advanced modeling of protein sequence and biophysical properties (such as structural, functional, and spatial information, amino acid conservation, physicochemical variation, residue mobility, and thermodynamic stability) performed at Invitae indicates that this missense variant is not expected to disrupt BMPR1A protein function. In summary, the available evidence is currently insufficient to determine the role of this variant in disease. Therefore, it has been classified as a Variant of Uncertain Significance. This sequence change replaces threonine, which is neutral and polar, with alanine, which is neutral and non-polar, at codon 513 of the BMPR1A protein (p.Thr513Ala). This variant is not present in population databases (gnomAD no frequency).